The following is an entry in ClinVar:

NM_001382391.1(CSPP1):c.337T>C (p.Ser113Pro)

Gene: CSPP1 (centrosome and spindle pole associated protein 1; plus strand). Cytogenetic location: 8q13.1.
Variant type: single nucleotide variant.
Coding change: c.337T>C on transcript NM_001382391.1 (MANE Select); coding-DNA position 337, T replaced by C.
Protein change: p.Ser113Pro; replaces serine 113 with proline.
Molecular consequence: missense variant. On other transcripts: intron variant (8).
Genome position (GRCh38, 1-based): chr8:67,091,836, T>C. VCF-style: chr8-67091836-T-C. GRCh37 (hg19) VCF-style: chr8-68004071-T-C.
Other names: c.337T>C, p.Ser113Pro (NM_001363132.2); c.445T>C, p.Ser149Pro (NM_001364869.1); c.304-1707T>C (NM_001363131.2, NM_001363133.2); c.412-1707T>C (NM_024790.7, NM_001438331.1, NM_001438330.1 and 2 more transcripts); c.-471-1707T>C (NM_001291339.2); short protein forms S113P, S149P.
Identifiers: ClinVar variation 3035177 (VCV003035177.2), dbSNP rs192984024, ClinGen allele CA4770260.

ClinVar aggregate classification (germline): Likely benign (0 of 4 stars; one submission).

Conditions:
CSPP1-related disorder. Also called: CSPP1-related condition.

Allele frequency attached by ClinVar (database versions not stated): gnomAD exomes 0.00005; ExAC 0.00030; gnomAD 0.00070; TOPMed 0.00079; ESP Exome Variant Server 0.00085; 1000 Genomes Project 30x 0.00109; 1000 Genomes Project 0.00140.
gnomAD v4.1: 168 of 1,350,584 alleles (0.012%); highest among the groups gnomAD compares: African/African-American, 0.23%; no homozygotes.

Submission:

PreventionGenetics, part of Exact Sciences
Classification: Likely benign for CSPP1-related condition. Last evaluated: 2024-03-06. Review status: no assertion criteria provided. Collection method: clinical testing. Allele origin: germline.
Comment: This variant is classified as likely benign based on ACMG/AMP sequence variant interpretation guidelines (Richards et al. 2015 PMID: 25741868, with internal and published modifications).